The following is an entry in ClinVar:

NM_004629.2(FANCG):c.1805C>A (p.Pro602His)

Gene: FANCG (FA complementation group G; minus strand). Cytogenetic location: 9p13.3.
Variant type: single nucleotide variant.
Coding change: c.1805C>A on transcript NM_004629.2 (MANE Select); coding-DNA position 1805, C replaced by A.
Protein change: p.Pro602His; replaces proline 602 with histidine.
Molecular consequence: missense variant.
Genome position (GRCh38, 1-based): chr9:35,074,172, G>T on the plus strand (C>A on the coding strand, the complement: FANCG is on the minus strand). VCF-style: chr9-35074172-G-T. GRCh37 (hg19) VCF-style: chr9-35074169-G-T.
Other names: short protein forms P602H.
Identifiers: ClinVar variation 950268 (VCV000950268.9), dbSNP rs370950631, ClinGen allele CA5039616.

ClinVar aggregate classification (germline): Uncertain significance (1 of 4 stars; one submission).

Conditions:
Fanconi anemia (FA). Also called: Fanconi's anemia. Identifiers: Orphanet 84, MedGen C0015625, MeSH D005199, MONDO:0019391.

Allele frequency attached by ClinVar (database versions not stated): gnomAD exomes below 0.00001; ExAC 0.00001; gnomAD 0.00002 and 0.00003; TOPMed 0.00002; ESP Exome Variant Server 0.00008.
gnomAD v4.1: 4 of 1,614,120 alleles (0.00025%); highest among the groups gnomAD compares: African/African-American, 0.0053%; no homozygotes.

Submission:

Labcorp Genetics (formerly Invitae), Labcorp
Classification: Uncertain significance for Fanconi anemia. Last evaluated: 2019-04-18. Review status: criteria provided, single submitter. Criteria: Invitae Variant Classification Sherloc (09022015). Collection method: clinical testing. Allele origin: germline.
Comment: This sequence change replaces proline with histidine at codon 602 of the FANCG protein (p.Pro602His). The proline residue is weakly conserved and there is a moderate physicochemical difference between proline and histidine. The frequency data for this variant in the population databases is considered unreliable, as metrics indicate poor data quality at this position in the ExAC database. This variant has not been reported in the literature in individuals with FANCG-related conditions. Algorithms developed to predict the effect of missense changes on protein structure and function are either unavailable or do not agree on the potential impact of this missense change (SIFT: "Tolerated"; PolyPhen-2: "Possibly Damaging"; Align-GVGD: "Class C0"). In summary, the available evidence is currently insufficient to determine the role of this variant in disease. Therefore, it has been classified as a Variant of Uncertain Significance.